The following is an entry in ClinVar:

NM_004371.4(COPA):c.2774A>T (p.Gln925Leu)

Gene: COPA (coat protein complex I subunit alpha; minus strand). Cytogenetic location: 1q23.2.
Variant type: single nucleotide variant.
Coding change: c.2774A>T on transcript NM_004371.4 (MANE Select); coding-DNA position 2774, A replaced by T.
Protein change: p.Gln925Leu; replaces glutamine 925 with leucine.
Molecular consequence: missense variant.
Genome position (GRCh38, 1-based): chr1:160,293,215, T>A on the plus strand (A>T on the coding strand, the complement: COPA is on the minus strand). VCF-style: chr1-160293215-T-A. GRCh37 (hg19) VCF-style: chr1-160263005-T-A.
Other names: c.2801A>T, p.Gln934Leu (NM_001098398.2); short protein forms Q925L, Q934L.
Identifiers: ClinVar variation 3672091 (VCV003672091.2).

ClinVar aggregate classification (germline): Uncertain significance (1 of 4 stars; one submission).

Conditions:
Autoimmune interstitial lung disease-arthritis syndrome. Also called: Autoinflammation and autoimmunity, systemic, with immune dysregulation. Identifiers: Orphanet 444092, MedGen C5975714, MONDO:0014629.

Submission:

Labcorp Genetics (formerly Invitae), Labcorp
Classification: Uncertain significance for Autoimmune interstitial lung disease-arthritis syndrome. Last evaluated: 2024-05-06. Review status: criteria provided, single submitter. Criteria: Invitae Variant Classification Sherloc (09022015). Collection method: clinical testing. Allele origin: germline.
Comment: This sequence change replaces glutamine, which is neutral and polar, with leucine, which is neutral and non-polar, at codon 925 of the COPA protein (p.Gln925Leu). This variant is not present in population databases (gnomAD no frequency). This variant has not been reported in the literature in individuals affected with COPA-related conditions. Advanced modeling of protein sequence and biophysical properties (such as structural, functional, and spatial information, amino acid conservation, physicochemical variation, residue mobility, and thermodynamic stability) performed at Invitae indicates that this missense variant is not expected to disrupt COPA protein function with a negative predictive value of 80%. In summary, the available evidence is currently insufficient to determine the role of this variant in disease. Therefore, it has been classified as a Variant of Uncertain Significance.